The following is an entry in ClinVar:

NM_000038.6(APC):c.134A>C (p.Lys45Thr)

Gene: APC (APC regulator of Wnt signaling pathway; plus strand). Cytogenetic location: 5q22.2.
Variant type: single nucleotide variant.
Coding change: c.134A>C on transcript NM_000038.6 (MANE Select); coding-DNA position 134, A replaced by C.
Protein change: p.Lys45Thr; replaces lysine 45 with threonine.
Molecular consequence: missense variant. On other transcripts: 5 prime UTR variant (4), non-coding transcript variant (2), intron variant (11).
Genome position (GRCh38, 1-based): chr5:112,755,024, A>C. VCF-style: chr5-112755024-A-C. GRCh37 (hg19) VCF-style: chr5-112090721-A-C.
Other names: c.134A>C, p.Lys45Thr (NM_001127510.3, NM_001354895.2, NM_001354896.2 and 16 more transcripts); c.-902A>C (NM_001354906.2, NM_001407470.1, NM_001407471.1 and 1 more transcripts); c.166-11302A>C (NM_001407446.1, NM_001354897.2, NM_001354902.2 and 1 more transcripts); c.-42-11302A>C (NM_001407453.1, NM_001354900.2, NM_001354901.2 and 1 more transcripts); c.61-11302A>C (NM_001407451.1, NM_001354898.2, NM_001354904.2); short protein forms K45T.
Identifiers: ClinVar variation 3881080 (VCV003881080.1).

ClinVar aggregate classification (germline): Uncertain significance (1 of 4 stars; one submission).

Conditions:
Hereditary cancer-predisposing syndrome. Also called: Tumor predisposition; Neoplastic Syndromes, Hereditary; Hereditary Cancer Syndrome; Hereditary neoplastic syndrome. Identifiers: Orphanet 140162, MedGen C0027672, MeSH D009386, MONDO:0015356.

Submission:

Ambry Genetics
Classification: Uncertain significance for Hereditary cancer-predisposing syndrome. Last evaluated: 2024-12-20. Review status: criteria provided, single submitter. Criteria: Ambry Variant Classification Scheme 2023. Collection method: clinical testing. Allele origin: germline.
Comment: The p.K45T variant (also known as c.134A>C), located in coding exon 1 of the APC gene, results from an A to C substitution at nucleotide position 134. The lysine at codon 45 is replaced by threonine, an amino acid with similar properties. This nucleotide position is highly conserved in available vertebrate species. This amino acid position is highly conserved in available vertebrate species. In silico predictors for missense impact for this gene do not accurately predict pathogenicity. In silico splice site analysis predicts that this alteration will weaken the native splice donor site and may result in the creation or strengthening of a novel splice donor site. RNA studies have demonstrated that this alteration results in an incomplete splice defect; the clinical impact of this abnormal splicing is unknown at this time (Ambry internal data). Based on the available evidence, the clinical significance of this variant remains unclear.